The following is an entry in ClinVar:

ClinVar aggregate classification (germline): Conflicting classifications of pathogenicity. Review status: criteria provided, conflicting classifications (1 of 4 stars). 5 submissions from 5 submitters: Uncertain significance (2); Likely benign (3). Last evaluated 2026-06-03.

Conditions:
MYO15A-related disorder. Also called: MYO15A-related condition.
Inborn genetic diseases. Identifiers: MedGen C0950123, MeSH D030342.

Allele frequency attached by ClinVar (database versions not stated): gnomAD exomes 0.00014; ExAC 0.00015; TOPMed 0.00025; gnomAD 0.00029; ESP Exome Variant Server 0.00048; 1000 Genomes Project 0.00080; 1000 Genomes Project 30x 0.00094.
gnomAD v4.1: 118 of 1,613,784 alleles (0.0073%); highest among the groups gnomAD compares: African/African-American, 0.087%; 1 homozygote.

Submissions (5):

PreventionGenetics, part of Exact Sciences
Classification: Uncertain significance for MYO15A-related condition. Last evaluated: 2026-06-03. Review status: criteria provided, single submitter. Criteria: ACMG Guidelines, 2015. Collection method: clinical testing. Allele origin: germline.
Comment: The MYO15A c.10121G>A variant is predicted to result in the amino acid substitution p.Arg3374His. To our knowledge, this variant has not been reported in the literature. This variant is reported in 0.10% of alleles in individuals of African descent in gnomAD. Although we suspect that this variant may be benign, at this time, the clinical significance of this variant is uncertain due to the absence of conclusive functional and genetic evidence.

Labcorp Genetics (formerly Invitae), Labcorp
Classification: Likely benign. Last evaluated: 2025-09-19. Review status: criteria provided, single submitter. Criteria: Invitae Variant Classification Sherloc (09022015). Collection method: clinical testing. Allele origin: germline.

Ambry Genetics
Classification: Likely benign for Inborn genetic diseases. Last evaluated: 2025-08-29. Review status: criteria provided, single submitter. Criteria: Ambry Variant Classification Scheme 2023. Collection method: clinical testing. Allele origin: germline.

Athena Diagnostics
Classification: Uncertain significance. Last evaluated: 2018-08-31. Review status: criteria provided, single submitter. Criteria: Athena Diagnostics Criteria. Collection method: clinical testing. Allele origin: germline.

Laboratory for Molecular Medicine, Mass General Brigham Personalized Medicine
Classification: Likely benign. Last evaluated: 2015-08-11. Review status: criteria provided, single submitter. Criteria: LMM Criteria. Collection method: clinical testing. Allele origin: germline. Observed: 1 variant allele.
Comment: p.Arg3374His in exon 63 of MYO15A: This variant is not expected to have clinical significance due to a lack of conservation across species, including mammals. O f note, >10 mammals have a histidine (His) at this position despite high nearby amino acid sequence conservation. In addition, computational prediction tools d o not suggest a high likelihood of impact to the protein. It has been identified in 0.13% (12/9514) of African chromosomes by the Exome Aggregation Consortium ( ExAC; dbSNP rs201794696).

NM_016239.4(MYO15A):c.10121G>A (p.Arg3374His)

Gene: MYO15A (myosin XVA; plus strand). Cytogenetic location: 17p11.2.
Variant type: single nucleotide variant.
Coding change: c.10121G>A on transcript NM_016239.4 (MANE Select); coding-DNA position 10121, G replaced by A.
Protein change: p.Arg3374His; replaces arginine 3374 with histidine.
Molecular consequence: missense variant.
Genome position (GRCh38, 1-based): chr17:18,171,676, G>A. VCF-style: chr17-18171676-G-A. GRCh37 (hg19) VCF-style: chr17-18074990-G-A.
Other names: short protein forms R3374H.
Identifiers: ClinVar variation 227629 (VCV000227629.15), dbSNP rs201794696, ClinGen allele CA8425811.